The following is an entry in ClinVar:

ClinVar aggregate classification (germline): Pathogenic. Review status: criteria provided, multiple submitters, no conflicts (2 of 4 stars). 2 submissions from 2 submitters: Pathogenic (2). Last evaluated 2023-08-22.

Conditions:
Lynch syndrome 5 (LYNCH5). Also called: Colorectal cancer, hereditary nonpolyposis, type 5; Hereditary non-polyposis colorectal cancer, type 5. Identifiers: Orphanet 144, MedGen C1833477, MONDO:0013710, OMIM 614350. Disease mechanism: loss of function.
Hereditary nonpolyposis colorectal neoplasms. Identifiers: MedGen C0009405, MeSH D003123.

Submissions (2):

Myriad Genetics, Inc.
Classification: Pathogenic for Lynch syndrome 5. Last evaluated: 2023-08-22. Review status: criteria provided, single submitter. Criteria: Myriad Autosomal Dominant, Autosomal Recessive and X-Linked Classification Criteria (2023). Collection method: clinical testing. Allele origin: unknown.
Comment: This variant is considered pathogenic. This variant creates a frameshift predicted to result in premature protein truncation.

Labcorp Genetics (formerly Invitae), Labcorp
Classification: Pathogenic for Hereditary nonpolyposis colorectal neoplasms. Last evaluated: 2019-02-01. Review status: criteria provided, single submitter. Criteria: Invitae Variant Classification Sherloc (09022015). Collection method: clinical testing. Allele origin: germline.
Comment: This sequence change creates a premature translational stop signal (p.Asp1046Valfs*19) in the MSH6 gene. It is expected to result in an absent or disrupted protein product. This variant is not present in population databases (ExAC no frequency). This variant has not been reported in the literature in individuals with MSH6-related conditions. ClinVar contains an entry for this variant (Variation ID: 569122). Algorithms developed to predict the effect of sequence changes on RNA splicing suggest that this variant may create or strengthen a splice site, but this prediction has not been confirmed by published transcriptional studies. Loss-of-function variants in MSH6 are known to be pathogenic (PMID: 18269114, 24362816). For these reasons, this variant has been classified as Pathogenic.

Literature cited by the submitters: PubMed 18269114 (cited by Labcorp Genetics (formerly Invitae), Labcorp); PubMed 24362816 (cited by Labcorp Genetics (formerly Invitae), Labcorp).

NM_000179.3(MSH6):c.3137_3138del (p.Asp1046fs)

Gene: MSH6 (mutS homolog 6; plus strand). Cytogenetic location: 2p16.3.
Variant type: Deletion.
Coding change: c.3137_3138del on transcript NM_000179.3 (MANE Select); coding-DNA positions 3137 to 3138, 2 bases deleted (AC; older notation c.3137_3138delAC).
Protein change: p.Asp1046fs; shifts the reading frame from aspartic acid 1046.
Molecular consequence: frameshift variant.
Genome position (GRCh38, 1-based): chr2:47,801,120-47,801,121, AC deleted. VCF-style (leftmost placement, unchanged base first): chr2-47801119-GAC-G. GRCh37 (hg19) VCF-style: chr2-48028258-GAC-G.
Other names: c.2747_2748del, p.Asp916fs (NM_001281492.2); c.2231_2232del, p.Asp744fs (NM_001281493.2, NM_001281494.2); c.3137_3138delAC (NM_000179.2); short protein forms D744fs, D1046fs, D916fs.
Identifiers: ClinVar variation 569122 (VCV000569122.10), dbSNP rs1558668258, ClinGen allele CA891842834.
Genomic context (GRCh38, chr2:47,801,119, plus strand): 5'-GATGTATCATTGAAGGACTGCATGCGGCGACTGTTCTATAACTTTGATAAAAATTACAAG[GAC>G]TGGCAGTCTGCTGTAGAGTGTATCGCAGTGTTGGGTAAGACTTTGAACAAGCTTGTTCTC-3'